The following is an entry in ClinVar:

NM_032119.4(ADGRV1):c.11807TTC[1] (p.Leu3937del)

Gene: ADGRV1 (adhesion G protein-coupled receptor V1; plus strand). Cytogenetic location: 5q14.3.
Variant type: Microsatellite.
Coding change: c.11807TTC[1] on transcript NM_032119.4 (MANE Select); one copy of the 3-base unit TTC starting at c.11807; the reference has two copies in a row; one copy, 3 bases deleted.
Protein change: p.Leu3937del; deletes leucine 3937.
Molecular consequence: inframe deletion. On other transcripts: non-coding transcript variant (1).
Genome position (GRCh38, 1-based): chr5:90,757,031-90,757,033, TTC deleted; deleting any 3 consecutive bases within chr5:90,757,028-90,757,033 gives the same sequence; the position shown is the placement nearest the transcript's 3' end. VCF-style (leftmost placement, unchanged base first): chr5-90757027-GTTC-G. GRCh37 (hg19) VCF-style: chr5-90052844-GTTC-G.
Other names: short protein forms L3937del.
Identifiers: ClinVar variation 1962062 (VCV001962062.2), dbSNP rs899259143, ClinGen allele CA122799159.

ClinVar aggregate classification (germline): Uncertain significance (1 of 4 stars; one submission).

Submission:

Labcorp Genetics (formerly Invitae), Labcorp
Classification: Uncertain significance. Last evaluated: 2022-07-07. Review status: criteria provided, single submitter. Criteria: Invitae Variant Classification Sherloc (09022015). Collection method: clinical testing. Allele origin: germline.
Comment: This variant, c.11810_11812del, results in the deletion of 1 amino acid(s) of the ADGRV1 protein (p.Leu3937del), but otherwise preserves the integrity of the reading frame. This variant is not present in population databases (gnomAD no frequency). This variant has not been reported in the literature in individuals affected with ADGRV1-related conditions. Experimental studies and prediction algorithms are not available or were not evaluated, and the functional significance of this variant is currently unknown. In summary, the available evidence is currently insufficient to determine the role of this variant in disease. Therefore, it has been classified as a Variant of Uncertain Significance.